The following is an entry in ClinVar:

ClinVar aggregate classification (germline): Uncertain significance (1 of 4 stars; one submission).

Allele frequency attached by ClinVar (database versions not stated): TOPMed below 0.00001.

Submission:

Ambry Genetics
Classification: Uncertain significance. Last evaluated: 2024-01-07. Review status: criteria provided, single submitter. Criteria: Ambry Variant Classification Scheme 2023. Collection method: clinical testing. Allele origin: germline.
Comment: The p.G2709E variant (also known as c.8126G>A), located in coding exon 59 of the PRKDC gene, results from a G to A substitution at nucleotide position 8126. The glycine at codon 2709 is replaced by glutamic acid, an amino acid with similar properties. This amino acid position is conserved. Since supporting evidence is limited at this time, the clinical significance of this alteration remains unclear.

NM_006904.7(PRKDC):c.8126G>A (p.Gly2709Glu)

Gene: PRKDC (protein kinase, DNA-activated, catalytic subunit; minus strand). Cytogenetic location: 8q11.21.
Variant type: single nucleotide variant.
Coding change: c.8126G>A on transcript NM_006904.7 (MANE Select); coding-DNA position 8126, G replaced by A.
Protein change: p.Gly2709Glu; replaces glycine 2709 with glutamic acid.
Molecular consequence: missense variant.
Genome position (GRCh38, 1-based): chr8:47,834,222, C>T on the plus strand (G>A on the coding strand, the complement: PRKDC is on the minus strand). VCF-style: chr8-47834222-C-T. GRCh37 (hg19) VCF-style: chr8-48746783-C-T.
Other names: c.8126G>A, p.Gly2709Glu (NM_001081640.2); short protein forms G2709E.
Identifiers: ClinVar variation 3225919 (VCV003225919.1), dbSNP rs2087953779, ClinGen allele CA371149139.